The following is an entry in ClinVar:

ClinVar aggregate classification (germline): Uncertain significance. Review status: criteria provided, multiple submitters, no conflicts (2 of 4 stars). 6 submissions from 6 submitters: Uncertain significance (5). 1 of the submissions does not count toward it. Last evaluated 2025-12-15.

Conditions:
Hereditary cancer-predisposing syndrome. Also called: Hereditary Cancer Syndrome; Hereditary neoplastic syndrome; Tumor predisposition; Neoplastic Syndromes, Hereditary. Identifiers: Orphanet 140162, MedGen C0027672, MeSH D009386, MONDO:0015356.
Bloom syndrome (BLM). Also called: Bloom-Torre-Machacek syndrome. Identifiers: Orphanet 125, MedGen C0005859, MONDO:0008876, OMIM 210900.

Allele frequency attached by ClinVar (database versions not stated): gnomAD exomes 0.00001; TOPMed 0.00003; gnomAD 0.00005 and 0.00006.
gnomAD v4.1: 28 of 1,614,100 alleles (0.0017%); highest among the groups gnomAD compares: African/African-American, 0.004%; no homozygotes.

Submissions (6):

Labcorp Genetics (formerly Invitae), Labcorp
Classification: Uncertain significance for Bloom syndrome. Last evaluated: 2025-12-15. Review status: criteria provided, single submitter. Criteria: Invitae Variant Classification Sherloc (09022015). Collection method: clinical testing. Allele origin: germline.
Comment: This sequence change replaces isoleucine, which is neutral and non-polar, with valine, which is neutral and non-polar, at codon 1376 of the BLM protein (p.Ile1376Val). This variant is present in population databases (rs587779892, gnomAD 0.0009%). This variant has not been reported in the literature in individuals affected with BLM-related conditions. ClinVar contains an entry for this variant (Variation ID: 127511). An algorithm developed to predict the effect of missense changes on protein structure and function outputs the following: PolyPhen-2: "Benign". The valine amino acid residue is found in multiple mammalian species, which suggests that this missense change does not adversely affect protein function. In summary, the available evidence is currently insufficient to determine the role of this variant in disease. Therefore, it has been classified as a Variant of Uncertain Significance.

Ambry Genetics
Classification: Uncertain significance for Hereditary cancer-predisposing syndrome. Last evaluated: 2025-02-03. Review status: criteria provided, single submitter. Criteria: Ambry Variant Classification Scheme 2023. Collection method: clinical testing. Allele origin: germline.
Comment: The p.I1376V variant (also known as c.4126A>G), located in coding exon 21 of the BLM gene, results from an A to G substitution at nucleotide position 4126. The isoleucine at codon 1376 is replaced by valine, an amino acid with highly similar properties. This amino acid position is not well conserved in available vertebrate species, and valine is the reference amino acid in other vertebrate species. In addition, this alteration is predicted to be tolerated by in silico analysis. Since supporting evidence is limited at this time, the clinical significance of this alteration remains unclear.

GeneDx
Classification: Uncertain significance. Last evaluated: 2024-05-24. Review status: criteria provided, single submitter. Criteria: GeneDx Variant Classification Process June 2021. Collection method: clinical testing. Allele origin: germline. Affected: yes.
Comment: Not observed at significant frequency in large population cohorts (gnomAD); In silico analysis indicates that this missense variant does not alter protein structure/function; Has not been previously published as pathogenic or benign to our knowledge

Institute for Clinical Genetics, University Hospital TU Dresden, University Hospital TU Dresden
Classification: Uncertain significance. Last evaluated: 2021-11-03. Review status: criteria provided, single submitter. Criteria: ACMG Guidelines, 2015. Collection method: clinical testing. Allele origin: germline.

Illumina Laboratory Services, Illumina
Classification: Uncertain significance for Bloom syndrome. Last evaluated: 2018-03-02. Review status: criteria provided, single submitter. Criteria: ICSL Variant Classification Criteria 13 December 2019. Collection method: clinical testing. Allele origin: germline.

Natera, Inc.
Classification: Uncertain significance for Bloom syndrome. Last evaluated: 2018-12-22. Review status: no assertion criteria provided. Collection method: clinical testing. Allele origin: germline. Not counted in ClinVar's aggregate classification.

NM_000057.4(BLM):c.4126A>G (p.Ile1376Val)

Gene: BLM (BLM RecQ like helicase; plus strand). Cytogenetic location: 15q26.1.
Variant type: single nucleotide variant.
Coding change: c.4126A>G on transcript NM_000057.4 (MANE Select); coding-DNA position 4126, A replaced by G.
Protein change: p.Ile1376Val; replaces isoleucine 1376 with valine.
Molecular consequence: missense variant.
Genome position (GRCh38, 1-based): chr15:90,815,151, A>G. VCF-style: chr15-90815151-A-G. GRCh37 (hg19) VCF-style: chr15-91358381-A-G.
Other names: p.I1376V:ATC>GTC; c.4126A>G, p.Ile1376Val (NM_001287246.2); c.3733A>G, p.Ile1245Val (NM_001287247.2); c.3001A>G, p.Ile1001Val (NM_001287248.2); c.4126A>G (LRG_20t1); short protein forms I1376V, I1001V, I1245V.
Identifiers: ClinVar variation 127511 (VCV000127511.28), dbSNP rs587779892, ClinGen allele CA287136.